The following is an entry in ClinVar:

ClinVar aggregate classification (germline): Uncertain significance (1 of 4 stars; one submission).

Submission:

Ambry Genetics
Classification: Uncertain significance. Last evaluated: 2025-05-17. Review status: criteria provided, single submitter. Criteria: Ambry Variant Classification Scheme 2023. Collection method: clinical testing. Allele origin: germline.
Comment: The p.D687G variant (also known as c.2060A>G), located in coding exon 13 of the GEN1 gene, results from an A to G substitution at nucleotide position 2060. The aspartic acid at codon 687 is replaced by glycine, an amino acid with similar properties. This amino acid position is conserved. In addition, this alteration is predicted to be tolerated by in silico analysis. Based on the available evidence, the clinical significance of this variant remains unclear.

NM_001130009.3(GEN1):c.2060A>G (p.Asp687Gly)

Gene: GEN1 (GEN1 Holliday junction 5' flap endonuclease; plus strand). Cytogenetic location: 2p24.2.
Variant type: single nucleotide variant.
Coding change: c.2060A>G on transcript NM_001130009.3 (MANE Select); coding-DNA position 2060, A replaced by G.
Protein change: p.Asp687Gly; replaces aspartic acid 687 with glycine.
Molecular consequence: missense variant.
Genome position (GRCh38, 1-based): chr2:17,781,272, A>G. VCF-style: chr2-17781272-A-G. GRCh37 (hg19) VCF-style: chr2-17962539-A-G.
Other names: c.2060A>G, p.Asp687Gly (NM_182625.5); short protein forms D687G.
Identifiers: ClinVar variation 4029298 (VCV004029298.1).
Genomic context (GRCh38, chr2:17,781,272, plus strand): 5'-TATGTCTTCAGGATTTGCCTTTAAAGGAACGAATATTTACAAAATTATCATATCCTCAGG[A>G]TAATCTACAACCAGATGTCAACCTGAAAACTTTGTCCATACTTAGTGTAAAAGAATCTTG-3'
Protein context (NP_001123481.3, residues 677-697): RIFTKLSYPQ[Asp687Gly]NLQPDVNLKT